The following is an entry in ClinVar:

NM_198576.4(AGRN):c.6077C>T (p.Pro2026Leu)

Gene: AGRN (agrin; plus strand). Cytogenetic location: 1p36.33.
Variant type: single nucleotide variant.
Coding change: c.6077C>T on transcript NM_198576.4 (MANE Select); coding-DNA position 6077, C replaced by T.
Protein change: p.Pro2026Leu; replaces proline 2026 with leucine.
Molecular consequence: missense variant.
Genome position (GRCh38, 1-based): chr1:1,054,920, C>T. VCF-style: chr1-1054920-C-T. GRCh37 (hg19) VCF-style: chr1-990300-C-T.
Other names: c.6146C>T, p.Pro2049Leu (NM_001305275.2); c.5774C>T, p.Pro1925Leu (NM_001364727.2); short protein forms P2026L, P2049L, P1925L.
Identifiers: ClinVar variation 639441 (VCV000639441.7), dbSNP rs369944008, ClinGen allele CA16706904.

ClinVar aggregate classification (germline): Uncertain significance. Review status: criteria provided, multiple submitters, no conflicts (2 of 4 stars). 2 submissions from 2 submitters: Uncertain significance (2). Last evaluated 2025-06-02.

Conditions:
Congenital myasthenic syndrome 8. Also called: MYASTHENIC SYNDROME, CONGENITAL, DUE TO AGRIN DEFICIENCY; Myasthenic syndrome, congenital, 8, with pre- and postsynaptic defects. Identifiers: Orphanet 590, MedGen C3808739, MONDO:0014052, OMIM 615120.
Inborn genetic diseases. Identifiers: MedGen C0950123, MeSH D030342.

Allele frequency attached by ClinVar (database versions not stated): gnomAD 0.00005; TOPMed 0.00006; gnomAD exomes 0.00001; ESP Exome Variant Server 0.00008.
gnomAD v4.1: 21 of 1,548,616 alleles (0.0014%); highest among the groups gnomAD compares: African/African-American, 0.015%; no homozygotes.

Submissions (2):

Labcorp Genetics (formerly Invitae), Labcorp
Classification: Uncertain significance for Congenital myasthenic syndrome 8. Last evaluated: 2025-06-02. Review status: criteria provided, single submitter. Criteria: Invitae Variant Classification Sherloc (09022015). Collection method: clinical testing. Allele origin: germline.
Comment: This sequence change replaces proline, which is neutral and non-polar, with leucine, which is neutral and non-polar, at codon 2026 of the AGRN protein (p.Pro2026Leu). The frequency data for this variant in the population databases is considered unreliable, as metrics indicate poor data quality at this position in the gnomAD database. This variant has not been reported in the literature in individuals affected with AGRN-related conditions. ClinVar contains an entry for this variant (Variation ID: 639441). An algorithm developed to predict the effect of missense changes on protein structure and function (PolyPhen-2) suggests that this variant is likely to be disruptive. In summary, the available evidence is currently insufficient to determine the role of this variant in disease. Therefore, it has been classified as a Variant of Uncertain Significance.

Ambry Genetics
Classification: Uncertain significance for Inborn genetic diseases. Last evaluated: 2024-07-14. Review status: criteria provided, single submitter. Criteria: Ambry Variant Classification Scheme 2023. Collection method: clinical testing. Allele origin: germline.